The following is an entry in ClinVar:

ClinVar aggregate classification (germline): Likely benign. Review status: criteria provided, multiple submitters, no conflicts (2 of 4 stars). 4 submissions from 4 submitters: Likely benign (3). 1 of the submissions does not count toward it. Last evaluated 2025-06-11.

Conditions:
SBF1-related disorder. Also called: SBF1-related condition.

Allele frequency attached by ClinVar (database versions not stated): gnomAD 0.00004 and 0.00005; TOPMed 0.00005; gnomAD exomes 0.00013; ExAC 0.00050.
gnomAD v4.1: 188 of 1,459,716 alleles (0.013%); highest among the groups gnomAD compares: Middle Eastern, 0.27%; 1 homozygote.

Submissions (4):

Labcorp Genetics (formerly Invitae), Labcorp
Classification: Likely benign. Last evaluated: 2025-06-11. Review status: criteria provided, single submitter. Criteria: Invitae Variant Classification Sherloc (09022015). Collection method: clinical testing. Allele origin: germline.

Mayo Clinic Laboratories, Mayo Clinic
Classification: Likely benign. Last evaluated: 2025-03-17. Review status: criteria provided, single submitter. Criteria: ACMG Guidelines, 2015. Collection method: clinical testing. Allele origin: germline. Observed: 1 variant allele.
Comment: BS1, BP4, BP7

Blueprint Genetics
Classification: Likely benign. Last evaluated: 2023-10-09. Review status: criteria provided, single submitter. Criteria: ACMG Guidelines, 2015. Collection method: clinical testing. Allele origin: germline.

PreventionGenetics, part of Exact Sciences
Classification: Likely benign for SBF1-related condition. Last evaluated: 2021-04-06. Review status: no assertion criteria provided. Collection method: clinical testing. Allele origin: germline. Not counted in ClinVar's aggregate classification.
Comment: This variant is classified as likely benign based on ACMG/AMP sequence variant interpretation guidelines (Richards et al. 2015 PMID: 25741868, with internal and published modifications).

NM_002972.4(SBF1):c.42G>A (p.Gly14=)

Gene: SBF1 (SET binding factor 1; minus strand). Cytogenetic location: 22q13.33.
Variant type: single nucleotide variant.
Coding change: c.42G>A on transcript NM_002972.4 (MANE Select); coding-DNA position 42, G replaced by A.
Protein change: p.Gly14=; no amino-acid change (glycine 14 retained).
Molecular consequence: synonymous variant.
Genome position (GRCh38, 1-based): chr22:50,474,799, C>T on the plus strand (G>A on the coding strand, the complement: SBF1 is on the minus strand). VCF-style: chr22-50474799-C-T. GRCh37 (hg19) VCF-style: chr22-50913228-C-T.
Other names: p.Gly14=; c.42G>A, p.Gly14= (NM_001365819.1); c.42G>A (NM_002972.3).
Identifiers: ClinVar variation 1653296 (VCV001653296.12), dbSNP rs763539016, ClinGen allele CA10318275.